The following is an entry in ClinVar:

ClinVar aggregate classification (germline): Uncertain significance (1 of 4 stars; one submission).

Conditions:
Myopathy, centronuclear, 2 (CNM2). Also called: MYOTUBULAR MYOPATHY, AUTOSOMAL RECESSIVE. Identifiers: Orphanet 169186, MedGen CN031787, MONDO:0009709, OMIM 255200.

Submission:

Labcorp Genetics (formerly Invitae), Labcorp
Classification: Uncertain significance for Myopathy, centronuclear, 2. Last evaluated: 2024-09-20. Review status: criteria provided, single submitter. Criteria: Invitae Variant Classification Sherloc (09022015). Collection method: clinical testing. Allele origin: germline.
Comment: This sequence change replaces aspartic acid, which is acidic and polar, with glutamic acid, which is acidic and polar, at codon 364 of the BIN1 protein (p.Asp364Glu). This variant is present in population databases (no rsID available, gnomAD 0.01%). This variant has not been reported in the literature in individuals affected with BIN1-related conditions. An algorithm developed to predict the effect of missense changes on protein structure and function (PolyPhen-2) suggests that this variant is likely to be tolerated. In summary, the available evidence is currently insufficient to determine the role of this variant in disease. Therefore, it has been classified as a Variant of Uncertain Significance.

NM_139343.3(BIN1):c.1092C>G (p.Asp364Glu)

Gene: BIN1 (bridging integrator 1; minus strand). Cytogenetic location: 2q14.3.
Variant type: single nucleotide variant.
Coding change: c.1092C>G on transcript NM_139343.3 (MANE Select); coding-DNA position 1092, C replaced by G.
Protein change: p.Asp364Glu; replaces aspartic acid 364 with glutamic acid.
Molecular consequence: missense variant. On other transcripts: intron variant (9).
Genome position (GRCh38, 1-based): chr2:127,057,512, G>C on the plus strand (C>G on the coding strand, the complement: BIN1 is on the minus strand). VCF-style: chr2-127057512-G-C. GRCh37 (hg19) VCF-style: chr2-127815088-G-C.
Other names: c.1092C>G, p.Asp364Glu (NM_001320640.2); c.999C>G, p.Asp333Glu (NM_001320641.2, NM_139347.3, NM_139348.3); c.1011C>G, p.Asp337Glu (NM_001320642.1); c.1044C>G, p.Asp348Glu (NM_139346.3); c.837+1499C>G (NM_001320634.1); c.909+1499C>G (NM_139351.3, NM_139350.3, NM_139349.3); c.954+1499C>G (NM_001320632.2, NM_004305.4); c.1002+1499C>G (NM_001320633.2, NM_139345.3, NM_139344.3); short protein forms D348E, D333E, D337E, D364E.
Identifiers: ClinVar variation 3708812 (VCV003708812.2).